The following is an entry in ClinVar:

NM_014264.5(PLK4):c.910G>A (p.Gly304Ser)

Gene: PLK4 (polo like kinase 4; plus strand). Cytogenetic location: 4q28.1.
Variant type: single nucleotide variant.
Coding change: c.910G>A on transcript NM_014264.5 (MANE Select); coding-DNA position 910, G replaced by A.
Protein change: p.Gly304Ser; replaces glycine 304 with serine.
Molecular consequence: missense variant.
Genome position (GRCh38, 1-based): chr4:127,886,280, G>A. VCF-style: chr4-127886280-G-A. GRCh37 (hg19) VCF-style: chr4-128807435-G-A.
Other names: c.814G>A, p.Gly272Ser (NM_001190799.2); c.787G>A, p.Gly263Ser (NM_001190801.2); short protein forms G272S, G304S, G263S.
Identifiers: ClinVar variation 1519484 (VCV001519484.3), dbSNP rs767450755, ClinGen allele CA3076650.

ClinVar aggregate classification (germline): Uncertain significance (1 of 4 stars; one submission).

Allele frequency attached by ClinVar (database versions not stated): gnomAD exomes 0.00002 and 0.00003; gnomAD 0.00003; TOPMed 0.00003; ExAC 0.00004.
gnomAD v4.1: 49 of 1,613,672 alleles (0.003%); highest among the groups gnomAD compares: Non-Finnish European, 0.0041%; no homozygotes.

Submission:

Labcorp Genetics (formerly Invitae), Labcorp
Classification: Uncertain significance. Last evaluated: 2022-07-26. Review status: criteria provided, single submitter. Criteria: Invitae Variant Classification Sherloc (09022015). Collection method: clinical testing. Allele origin: germline.
Comment: This sequence change replaces glycine, which is neutral and non-polar, with serine, which is neutral and polar, at codon 304 of the PLK4 protein (p.Gly304Ser). This variant is present in population databases (rs767450755, gnomAD 0.006%). This variant has not been reported in the literature in individuals affected with PLK4-related conditions. ClinVar contains an entry for this variant (Variation ID: 1519484). Algorithms developed to predict the effect of missense changes on protein structure and function are either unavailable or do not agree on the potential impact of this missense change (SIFT: "Tolerated"; PolyPhen-2: "Probably Damaging"; Align-GVGD: "Class C0"). In summary, the available evidence is currently insufficient to determine the role of this variant in disease. Therefore, it has been classified as a Variant of Uncertain Significance.